The following is an entry in ClinVar:

ClinVar aggregate classification (germline): Uncertain significance (1 of 4 stars; one submission).

Submission:

GeneDx
Classification: Uncertain significance. Last evaluated: 2024-09-23. Review status: criteria provided, single submitter. Criteria: GeneDx Variant Classification Process June 2021. Collection method: clinical testing. Allele origin: germline. Affected: yes.
Comment: Has not been previously published as pathogenic or benign to our knowledge; Not observed at significant frequency in large population cohorts (gnomAD); In silico analysis supports a deleterious effect on splicing

NM_052867.4(NALCN):c.3390+4A>G

Gene: NALCN (sodium leak channel, non-selective; minus strand). Cytogenetic location: 13q32.3.
Variant type: single nucleotide variant.
Coding change: c.3390+4A>G on transcript NM_052867.4 (MANE Select); 4 bases into the intron after coding-DNA position 3390, A replaced by G.
Molecular consequence: intron variant.
Genome position (GRCh38, 1-based): chr13:101,089,842, T>C on the plus strand (A>G on the coding strand, the complement: NALCN is on the minus strand). VCF-style: chr13-101089842-T-C. GRCh37 (hg19) VCF-style: chr13-101742193-T-C.
Other names: c.3303+4A>G (NM_001350751.2, NM_001350750.2); c.3390+4A>G (NM_001350749.2); c.3477+4A>G (NM_001350748.2).
Identifiers: ClinVar variation 3774036 (VCV003774036.1).
Genomic context (GRCh38, chr13:101,089,842, plus strand): 5'-TTATTCATCAAAACAAATGAAAGCTGCTCTTGAAGTGTTCAAAGGATTCGATGTGCTCGC[T>C]TACCGGCCCCACACGATGAATAATAACATCTCTCACTTCCACCCAGCCTTTCAAGGAGAG-3'